The following is an entry in ClinVar:

NM_015557.3(CHD5):c.4672C>G (p.Leu1558Val)

Gene: CHD5 (chromodomain helicase DNA binding protein 5; minus strand). Cytogenetic location: 1p36.31.
Variant type: single nucleotide variant.
Coding change: c.4672C>G on transcript NM_015557.3 (MANE Select); coding-DNA position 4672, C replaced by G.
Protein change: p.Leu1558Val; replaces leucine 1558 with valine.
Molecular consequence: missense variant.
Genome position (GRCh38, 1-based): chr1:6,123,975, G>C on the plus strand (C>G on the coding strand, the complement: CHD5 is on the minus strand). VCF-style: chr1-6123975-G-C. GRCh37 (hg19) VCF-style: chr1-6184035-G-C.
Other names: short protein forms L1558V.
Identifiers: ClinVar variation 2573580 (VCV002573580.1), dbSNP rs749653354, ClinGen allele CA556100.
Genomic context (GRCh38, chr1:6,123,975, plus strand): 5'-CAGTGCCCTCCCCGGCCCGCCCAGCCCACAGACCTGGCAGGCCCAGCGGGGCTGGCAGGA[G>C]GTGGGCAGGGCTGGCGGGCACTGGTGTGTTGGGGTCCGAGGAGATCACCTCGCCCGACTT-3'
Protein context (NP_056372.1, residues 1548-1568): NTPVPASPAH[Leu1558Val]LPAPLGLPDK

ClinVar aggregate classification (germline): Uncertain significance (1 of 4 stars; one submission).

gnomAD v4.1: 3 of 1,598,030 alleles (0.00019%); highest among the groups gnomAD compares: African/African-American, 0.0027%; no homozygotes.

Submission:

Women's Health and Genetics/Laboratory Corporation of America, LabCorp
Classification: Uncertain significance. Last evaluated: 2023-06-23. Review status: criteria provided, single submitter. Criteria: LabCorp Variant Classification Summary - May 2015. Collection method: clinical testing. Allele origin: germline.
Comment: Variant summary: CHD5 c.4672C>G (p.Leu1558Val) results in a conservative amino acid change in the encoded protein sequence. Five of five in-silico tools predict a benign effect of the variant on protein function. The variant allele was found at a frequency of 4.4e-06 in 227494 control chromosomes (gnomAD). The available data on variant occurrences in the general population are insufficient to allow any conclusion about variant significance. To our knowledge, no occurrence of c.4672C>G in individuals affected with Parenti-Mignot Neurodevelopmental Syndrome and no experimental evidence demonstrating its impact on protein function have been reported. No submitters have cited clinical-significance assessments for this variant to ClinVar after 2014. Based on the evidence outlined above, the variant was classified as uncertain significance.